The following is an entry in ClinVar:

ClinVar aggregate classification (germline): Likely benign. Review status: criteria provided, multiple submitters, no conflicts (2 of 4 stars). 3 submissions from 3 submitters: Likely benign (2). 1 of the submissions does not count toward it. Last evaluated 2025-09-05.

Conditions:
PKHD1-related disorder. Also called: PKHD1-related condition.
Autosomal recessive polycystic kidney disease (ARPKD). Also called: AR polycystic kidney disease. Identifiers: Orphanet 731, Orphanet 8378, MedGen C0085548, MeSH D017044, MONDO:0009889.

Allele frequency attached by ClinVar (database versions not stated): gnomAD exomes below 0.00001; TOPMed below 0.00001; gnomAD 0.00001.
gnomAD v4.1: 2 of 1,611,850 alleles (0.00012%); highest among the groups gnomAD compares: Non-Finnish European, 0.000085%; no homozygotes.

Submissions (3):

PreventionGenetics, part of Exact Sciences
Classification: Likely benign for PKHD1-related condition. Last evaluated: 2025-09-05. Review status: criteria provided, single submitter. Criteria: ACMG Guidelines, 2015. Collection method: clinical testing. Allele origin: germline.
Comment: This variant is classified as likely benign based on ACMG/AMP sequence variant interpretation guidelines (Richards et al. 2015 PMID: 25741868, with internal and published modifications).

Labcorp Genetics (formerly Invitae), Labcorp
Classification: Likely benign for Autosomal recessive polycystic kidney disease. Last evaluated: 2022-01-05. Review status: criteria provided, single submitter. Criteria: Invitae Variant Classification Sherloc (09022015). Collection method: clinical testing. Allele origin: germline.

Natera, Inc.
Classification: Likely benign for Autosomal recessive polycystic kidney disease. Last evaluated: 2019-05-14. Review status: no assertion criteria provided. Collection method: clinical testing. Allele origin: germline. Not counted in ClinVar's aggregate classification.

NM_138694.4(PKHD1):c.6789A>G (p.Leu2263=)

Gene: PKHD1 (PKHD1 ciliary IPT domain containing fibrocystin/polyductin; minus strand). Cytogenetic location: 6p12.2.
Variant type: single nucleotide variant.
Coding change: c.6789A>G on transcript NM_138694.4 (MANE Select); coding-DNA position 6789, A replaced by G.
Protein change: p.Leu2263=; no amino-acid change (leucine 2263 retained).
Molecular consequence: synonymous variant.
Genome position (GRCh38, 1-based): chr6:51,906,234, T>C on the plus strand (A>G on the coding strand, the complement: PKHD1 is on the minus strand). VCF-style: chr6-51906234-T-C. GRCh37 (hg19) VCF-style: chr6-51771032-T-C.
Other names: c.6789A>G, p.Leu2263= (NM_170724.3); c.6789A>G (NM_138694.3).
Identifiers: ClinVar variation 1110823 (VCV001110823.13), dbSNP rs756262878, ClinGen allele CA138908726.